The following is an entry in ClinVar:

ClinVar aggregate classification (germline): Likely benign. Review status: criteria provided, single submitter (1 of 4 stars). 2 submissions from 2 submitters: Likely benign (1). 1 of the submissions does not count toward it. Last evaluated 2026-01-12.

Conditions:
THOC2-related disorder. Also called: THOC2-related condition.

gnomAD v4.1: 41 of 1,198,638 alleles (0.0034%); highest among the groups gnomAD compares: Non-Finnish European, 0.0044%; no homozygotes.

Submissions (3):

Women's Health and Genetics/Laboratory Corporation of America, LabCorp
Classification: Likely benign. Last evaluated: 2026-01-12. Review status: criteria provided, single submitter. Criteria: LabCorp Variant Classification Summary - May 2015. Collection method: clinical testing. Allele origin: germline.
Comment: Variant summary: THOC2 c.1575C>T alters a conserved nucleotide resulting in a synonymous change. Consensus agreement among computation tools predict no significant impact on normal splicing. However, these predictions have yet to be confirmed by functional studies. The variant allele was found at a frequency of 2.8e-05 in 175856 control chromosomes. The available data on variant occurrences in the general population are insufficient to allow any conclusion about variant significance. To our knowledge, no occurrence of c.1575C>T in individuals affected with THOC2-related conditions and no experimental evidence demonstrating its impact on protein function have been reported. ClinVar contains an entry for this variant (Variation ID: 3351346). Based on the evidence outlined above, the variant was classified as likely benign.

PreventionGenetics, part of Exact Sciences
Classification: Likely benign for THOC2-related condition. Last evaluated: 2024-08-01. Review status: no assertion criteria provided. Collection method: clinical testing. Allele origin: germline. Not counted in ClinVar's aggregate classification.
Comment: This variant is classified as likely benign based on ACMG/AMP sequence variant interpretation guidelines (Richards et al. 2015 PMID: 25741868, with internal and published modifications).

Dr. Peter K. Rogan Lab, Western University
No classification provided (evidence only). Condition: Nonpapillary renal cell carcinoma. Review status: no classification provided. Collection method: in vitro. Allele origin: not applicable. Functional consequence: retained intron. Not counted in ClinVar's aggregate classification.

NM_001081550.2(THOC2):c.1575C>T (p.Gly525=)

Gene: THOC2 (THO complex subunit 2; minus strand). Cytogenetic location: Xq25.
Variant type: single nucleotide variant.
Coding change: c.1575C>T on transcript NM_001081550.2 (MANE Select); coding-DNA position 1575, C replaced by T.
Protein change: p.Gly525=; no amino-acid change (glycine 525 retained).
Molecular consequence: synonymous variant.
Genome position (GRCh38, 1-based): chrX:123,644,661, G>A on the plus strand (C>T on the coding strand, the complement: THOC2 is on the minus strand). VCF-style: chrX-123644661-G-A. GRCh37 (hg19) VCF-style: chrX-122778512-G-A.
Other names: NC_000023.10:g.122778512G>A.
Identifiers: ClinVar variation 3351346 (VCV003351346.3).